The following is an entry in ClinVar:

NM_003072.5(SMARCA4):c.2769G>A (p.Ala923=)

Gene: SMARCA4 (SWI/SNF related BAF chromatin remodeling complex subunit ATPase 4; plus strand). Cytogenetic location: 19p13.2.
Variant type: single nucleotide variant.
Coding change: c.2769G>A on transcript NM_003072.5 (MANE Select); coding-DNA position 2769, G replaced by A.
Protein change: p.Ala923=; no amino-acid change (alanine 923 retained).
Molecular consequence: synonymous variant. On other transcripts: non-coding transcript variant (1).
Genome position (GRCh38, 1-based): chr19:11,021,877, G>A. VCF-style: chr19-11021877-G-A. GRCh37 (hg19) VCF-style: chr19-11132553-G-A.
Other names: c.2769G>A, p.Ala923= (NM_001128844.3, NM_001128845.2, NM_001128846.2 and 5 more transcripts).
Identifiers: ClinVar variation 415170 (VCV000415170.24), dbSNP rs771913411, ClinGen allele CA16615971.
Genomic context (GRCh38, chr19:11,021,877, plus strand): 5'-ACCCCGCCGCCTGCTGCTGACGGGCACACCGCTGCAGAACAAGCTTCCCGAGCTCTGGGC[G>A]CTGCTCAACTTCCTGCTGCCCACCATCTTCAAGAGCTGCAGCACCTTCGAGCAGTGGTTT-3'
Protein context (NP_003063.2, residues 913-933): PLQNKLPELW[Ala923=]LLNFLLPTIF

ClinVar aggregate classification (germline): Benign/Likely benign. Review status: criteria provided, multiple submitters, no conflicts (2 of 4 stars). 4 submissions from 4 submitters: Benign (1); Likely benign (3). Last evaluated 2026-07-14.

Conditions:
Rhabdoid tumor predisposition syndrome 2 (RTPS2). Identifiers: Orphanet 231108, Orphanet 69077, MedGen C2750074, MONDO:0013224, OMIM 613325.
Hereditary cancer-predisposing syndrome. Also called: Hereditary Cancer Syndrome; Hereditary neoplastic syndrome; Neoplastic Syndromes, Hereditary; Tumor predisposition. Identifiers: Orphanet 140162, MedGen C0027672, MeSH D009386, MONDO:0015356.

Allele frequency attached by ClinVar (database versions not stated): TOPMed 0.00002; gnomAD exomes below 0.00001.
gnomAD v4.1: 19 of 1,613,704 alleles (0.0012%); highest among the groups gnomAD compares: East Asian, 0.0045%; no homozygotes.

Submissions (4):

Myriad Genetics, Inc.
Classification: Benign for Rhabdoid tumor predisposition syndrome 2. Last evaluated: 2026-07-14. Review status: criteria provided, single submitter. Criteria: Myriad Autosomal Dominant, Autosomal Recessive and X-Linked Classification Criteria (2023). Collection method: clinical testing. Allele origin: unknown.
Comment: This variant is considered benign. This variant is a silent/synonymous amino acid change and it is not expected to impact splicing.

Labcorp Genetics (formerly Invitae), Labcorp
Classification: Likely benign for Rhabdoid tumor predisposition syndrome 2. Last evaluated: 2025-10-26. Review status: criteria provided, single submitter. Criteria: Invitae Variant Classification Sherloc (09022015). Collection method: clinical testing. Allele origin: germline.

CeGaT Center for Human Genetics Tuebingen
Classification: Likely benign. Last evaluated: 2025-08-01. Review status: criteria provided, single submitter. Criteria: CeGaT Center For Human Genetics Tuebingen Variant Classification Criteria Version 2. Collection method: clinical testing. Allele origin: germline. Affected: yes. Observed: 1 variant allele.
Comment: SMARCA4: BP4, BP7

Ambry Genetics
Classification: Likely benign for Hereditary cancer-predisposing syndrome. Last evaluated: 2017-11-13. Review status: criteria provided, single submitter. Criteria: Ambry Variant Classification Scheme 2023. Collection method: clinical testing. Allele origin: germline.